The following is an entry in ClinVar:

ClinVar aggregate classification (germline): Uncertain significance (1 of 4 stars; one submission).

Conditions:
Hypercholesterolemia, autosomal dominant, 3 (FHCL3). Also called: Familial Hypercholesterolemia, Autosomal Dominant, 3; PCSK9-Related Familial Hypercholesterolemia, Autosomal Dominant; Familial hypercholesterolemia 3. Identifiers: MedGen C1863551, MONDO:0011369, OMIM 603776.

Submission:

All of Us Research Program, National Institutes of Health
Classification: Uncertain significance for Hypercholesterolemia, autosomal dominant, 3. Last evaluated: 2023-05-08. Review status: criteria provided, single submitter. Criteria: ACMG Guidelines, 2015. Collection method: clinical testing. Allele origin: germline. Inheritance: Autosomal dominant inheritance. Observed: 1 variant allele, 1 heterozygote.
Comment: This study involves interpretation of variants in research participants for the purpose of population health screening. Participant phenotype was not available at the time of variant classification. Additional details can be found in publication PMID: 35346344, PMCID: PMC8962531

NM_174936.4(PCSK9):c.1418C>G (p.Ala473Gly)

Gene: PCSK9 (proprotein convertase subtilisin/kexin type 9; plus strand). Cytogenetic location: 1p32.3.
Variant type: single nucleotide variant.
Coding change: c.1418C>G on transcript NM_174936.4 (MANE Select); coding-DNA position 1418, C replaced by G.
Protein change: p.Ala473Gly; replaces alanine 473 with glycine.
Molecular consequence: missense variant. On other transcripts: non-coding transcript variant (8), intron variant (1).
Genome position (GRCh38, 1-based): chr1:55,058,562, C>G. VCF-style: chr1-55058562-C-G. GRCh37 (hg19) VCF-style: chr1-55524235-C-G.
Other names: c.1541C>G, p.Ala514Gly (NM_001407240.1); c.1418C>G, p.Ala473Gly (NM_001407241.1); c.1421C>G, p.Ala474Gly (NM_001407242.1); c.1361C>G, p.Ala454Gly (NM_001407243.1); c.1244C>G, p.Ala415Gly (NM_001407244.1); c.1226C>G, p.Ala409Gly (NM_001407245.1); c.1043C>G, p.Ala348Gly (NM_001407246.1); c.1180+1048C>G (NM_001407247.1); short protein forms A348G, A409G, A415G, A454G, A473G, A474G, A514G.
Identifiers: ClinVar variation 3070915 (VCV003070915.1), dbSNP rs2523263324, ClinGen allele CA340478905.